The following is an entry in ClinVar:

ClinVar aggregate classification (germline): Pathogenic (1 of 4 stars; one submission).

Conditions:
Danon disease. Also called: ANTOPOL DISEASE; PSEUDOGLYCOGENOSIS II; GSD IIb; LYSOSOMAL GLYCOGEN STORAGE DISEASE WITHOUT ACID MALTASE DEFICIENCY; Glycogen Storage Disease Type IIb. Identifiers: Orphanet 34587, MedGen C0878677, MONDO:0010281, OMIM 300257.

Submission:

Labcorp Genetics (formerly Invitae), Labcorp
Classification: Pathogenic for Danon disease. Last evaluated: 2023-07-03. Review status: criteria provided, single submitter. Criteria: Invitae Variant Classification Sherloc (09022015). Collection method: clinical testing. Allele origin: unknown.
Comment: For these reasons, this variant has been classified as Pathogenic. Isolated whole-gene deletions of LAMP2 have not been reported in the literature. However, larger copy number events that include this gene have been reported (PMID: 31729179). A gross deletion of the genomic region encompassing the full coding sequence of the LAMP2 gene has been identified. Loss-of-function variants in LAMP2 are known to be pathogenic (PMID: 21415759). The boundaries of this event are unknown as they extend beyond the assayed region for this gene and therefore may encompass additional genes.

Literature cited by the submitters: PubMed 31729179; PubMed 21415759.

NC_000023.10:g.(?_119565178)_(119603024_?)del

Gene: LAMP2 (lysosome associated membrane protein 2; minus strand). Cytogenetic location: Xq24.
Variant type: Deletion.
Identifiers: ClinVar variation 3244050 (VCV003244050.1).